The following is an entry in ClinVar:

NM_004422.3(DVL2):c.213T>A (p.Ile71=)

Gene: DVL2 (dishevelled segment polarity protein 2; minus strand). Cytogenetic location: 17p13.1.
Variant type: single nucleotide variant.
Coding change: c.213T>A on transcript NM_004422.3 (MANE Select); coding-DNA position 213, T replaced by A.
Protein change: p.Ile71=; no amino-acid change (isoleucine 71 retained).
Molecular consequence: synonymous variant.
Genome position (GRCh38, 1-based): chr17:7,230,779, A>T on the plus strand (T>A on the coding strand, the complement: DVL2 is on the minus strand). VCF-style: chr17-7230779-A-T. GRCh37 (hg19) VCF-style: chr17-7134098-A-T.
Identifiers: ClinVar variation 3049819 (VCV003049819.2), dbSNP rs150823721, ClinGen allele CA8339056.

ClinVar aggregate classification (germline): Likely benign (0 of 4 stars; one submission).

Conditions:
DVL2-related disorder. Also called: DVL2-related condition.

Allele frequency attached by ClinVar (database versions not stated): gnomAD exomes 0.00004; ExAC 0.00015; gnomAD 0.00030; 1000 Genomes Project 30x 0.00031; TOPMed 0.00039; 1000 Genomes Project 0.00040; ESP Exome Variant Server 0.00077.
gnomAD v4.1: 113 of 1,613,100 alleles (0.007%); highest among the groups gnomAD compares: African/African-American, 0.13%; no homozygotes.

Submission:

PreventionGenetics, part of Exact Sciences
Classification: Likely benign for DVL2-related condition. Last evaluated: 2019-07-18. Review status: no assertion criteria provided. Collection method: clinical testing. Allele origin: germline.
Comment: This variant is classified as likely benign based on ACMG/AMP sequence variant interpretation guidelines (Richards et al. 2015 PMID: 25741868, with internal and published modifications).